The following is an entry in ClinVar:

NM_003412.4(ZIC1):c.643del (p.Arg215fs)

Gene: ZIC1 (Zic family member 1; plus strand). Cytogenetic location: 3q24.
Variant type: Deletion.
Coding change: c.643del on transcript NM_003412.4 (MANE Select); coding-DNA position 643, one base deleted (C; older notation c.643delC).
Protein change: p.Arg215fs; shifts the reading frame from arginine 215.
Molecular consequence: frameshift variant.
Genome position (GRCh38, 1-based): chr3:147,410,755, C deleted; the last of 2 consecutive C bases (chr3:147,410,754-147,410,755); deleting either gives the same sequence. VCF-style (leftmost placement, unchanged base first): chr3-147410753-TC-T. GRCh37 (hg19) VCF-style: chr3-147128540-TC-T.
Other names: short protein forms R215fs.
Identifiers: ClinVar variation 3381505 (VCV003381505.1).
Genomic context (GRCh38, chr3:147,410,753, plus strand): 5'-TGCACGGCTACGGGCCCATGAACGTGAACATGGCCGCGCATCACGGCGCCGGCGCCTTCT[TC>T]CGCTACATGCGCCAACCCATCAAGCAAGAGCTCATCTGCAAGTGGATCGAGCCCGAGCAG-3'

ClinVar aggregate classification (germline): Uncertain significance (1 of 4 stars; one submission).

Submission:

GeneDx
Classification: Uncertain significance. Last evaluated: 2024-05-18. Review status: criteria provided, single submitter. Criteria: GeneDx Variant Classification Process June 2021. Collection method: clinical testing. Allele origin: germline. Affected: yes.
Comment: Not observed at significant frequency in large population cohorts (gnomAD); Frameshift variant predicted to result in protein truncation or nonsense mediated decay in a gene or region of a gene for which loss of function is not a well-established mechanism of disease; Has not been previously published as pathogenic or benign to our knowledge